The following is an entry in ClinVar:

NM_001332.4(CTNND2):c.2464-6C>T

Gene: CTNND2 (catenin delta 2; minus strand). Cytogenetic location: 5p15.2.
Variant type: single nucleotide variant.
Coding change: c.2464-6C>T on transcript NM_001332.4 (MANE Select); 6 bases into the intron before coding-DNA position 2464, C replaced by T.
Molecular consequence: intron variant.
Genome position (GRCh38, 1-based): chr5:11,098,754, G>A on the plus strand (C>T on the coding strand, the complement: CTNND2 is on the minus strand). VCF-style: chr5-11098754-G-A. GRCh37 (hg19) VCF-style: chr5-11098866-G-A.
Other names: c.1165-6C>T (NM_001288717.2); c.1453-6C>T (NM_001364128.2, NM_001288716.1); c.2191-6C>T (NM_001288715.1).
Identifiers: ClinVar variation 798032 (VCV000798032.8), dbSNP rs147411853, ClinGen allele CA3200580.
Genomic context (GRCh38, chr5:11,098,754, plus strand): 5'-TCTGGATCCCTTTTGGTGGTTCAGCACAGTCTGGAAGAGGTCCTACTCCATCCCACTGGC[G>A]GAAGAAAAACAAGAGAGCAAACATCTTTAACATCTTTATGCTTCCCAACTTTGCCTTCCT-3'

ClinVar aggregate classification (germline): Benign/Likely benign. Review status: criteria provided, multiple submitters, no conflicts (2 of 4 stars). 4 submissions from 4 submitters: Benign (2); Likely benign (1). 1 of the submissions does not count toward it. Last evaluated 2024-08-16.

Conditions:
CTNND2-related disorder. Also called: CTNND2-related condition.

Allele frequency attached by ClinVar (database versions not stated): ESP Exome Variant Server 0.00015; gnomAD 0.00021 and 0.00043; gnomAD exomes 0.00032 and 0.00086; TOPMed 0.00065; ExAC 0.00098; 1000 Genomes Project 30x 0.00234; 1000 Genomes Project 0.00240.
gnomAD v4.1: 548 of 1,610,160 alleles (0.034%); highest among the groups gnomAD compares: East Asian, 0.82%; 1 homozygote.

Submissions (4):

Blueprint Genetics
Classification: Likely benign. Last evaluated: 2024-08-16. Review status: criteria provided, single submitter. Criteria: ACMG Guidelines, 2015. Collection method: clinical testing. Allele origin: germline.

GeneDx
Classification: Benign. Last evaluated: 2020-11-25. Review status: criteria provided, single submitter. Criteria: GeneDx Variant Classification Process June 2021. Collection method: clinical testing. Allele origin: germline. Affected: yes.

Labcorp Genetics (formerly Invitae), Labcorp
Classification: Benign. Last evaluated: 2019-12-31. Review status: criteria provided, single submitter. Criteria: Invitae Variant Classification Sherloc (09022015). Collection method: clinical testing. Allele origin: germline.

PreventionGenetics, part of Exact Sciences
Classification: Benign for CTNND2-related condition. Last evaluated: 2020-02-21. Review status: no assertion criteria provided. Collection method: clinical testing. Allele origin: germline. Not counted in ClinVar's aggregate classification.
Comment: This variant is classified as benign based on ACMG/AMP sequence variant interpretation guidelines (Richards et al. 2015 PMID: 25741868, with internal and published modifications).